The following is an entry in ClinVar:

NM_004218.4(RAB11B):c.500A>G (p.Asn167Ser)

Gene: RAB11B (RAB11B, member RAS oncogene family; plus strand). Cytogenetic location: 19p13.2.
Variant type: single nucleotide variant.
Coding change: c.500A>G on transcript NM_004218.4 (MANE Select); coding-DNA position 500, A replaced by G.
Protein change: p.Asn167Ser; replaces asparagine 167 with serine.
Molecular consequence: missense variant.
Genome position (GRCh38, 1-based): chr19:8,402,554, A>G. VCF-style: chr19-8402554-A-G. GRCh37 (hg19) VCF-style: chr19-8467438-A-G.
Other names: short protein forms N167S.
Identifiers: ClinVar variation 3609978 (VCV003609978.2).

ClinVar aggregate classification (germline): Uncertain significance (1 of 4 stars; one submission).

Submission:

Labcorp Genetics (formerly Invitae), Labcorp
Classification: Uncertain significance. Last evaluated: 2024-06-04. Review status: criteria provided, single submitter. Criteria: Invitae Variant Classification Sherloc (09022015). Collection method: clinical testing. Allele origin: germline.
Comment: This sequence change replaces asparagine, which is neutral and polar, with serine, which is neutral and polar, at codon 167 of the RAB11B protein (p.Asn167Ser). This variant is not present in population databases (gnomAD no frequency). This variant has not been reported in the literature in individuals affected with RAB11B-related conditions. An algorithm developed to predict the effect of missense changes on protein structure and function (PolyPhen-2) suggests that this variant is likely to be tolerated. In summary, the available evidence is currently insufficient to determine the role of this variant in disease. Therefore, it has been classified as a Variant of Uncertain Significance.